The following is an entry in ClinVar:

NM_005188.4(CBL):c.661del (p.Ala221fs)

Gene: CBL (Cbl proto-oncogene; plus strand). Cytogenetic location: 11q23.3.
Variant type: Deletion.
Coding change: c.661del on transcript NM_005188.4 (MANE Select); coding-DNA position 661, one base deleted (G; older notation c.661delG).
Protein change: p.Ala221fs; shifts the reading frame from alanine 221.
Molecular consequence: frameshift variant.
Genome position (GRCh38, 1-based): chr11:119,273,938, G deleted; the last of 2 consecutive G bases (chr11:119,273,937-119,273,938); deleting either gives the same sequence. VCF-style (leftmost placement, unchanged base first): chr11-119273936-AG-A. GRCh37 (hg19) VCF-style: chr11-119144646-AG-A.
Other names: short protein forms A221fs.
Identifiers: ClinVar variation 4733706 (VCV004733706.1).

ClinVar aggregate classification (germline): Uncertain significance (1 of 4 stars; one submission).

Conditions:
RASopathy. Also called: rasopathies; Noonan spectrum disorder. Identifiers: Orphanet 536391, MedGen C5555857, MONDO:0021060.

Submission:

Labcorp Genetics (formerly Invitae), Labcorp
Classification: Uncertain significance for RASopathy. Last evaluated: 2025-12-25. Review status: criteria provided, single submitter. Criteria: Invitae Variant Classification Sherloc (09022015). Collection method: clinical testing. Allele origin: germline.
Comment: This sequence change creates a premature translational stop signal (p.Ala221Profs*4) in the CBL gene. It is expected to result in an absent or disrupted protein product. However, the current clinical and genetic evidence is not sufficient to establish whether loss-of-function variants in CBL cause disease. This variant is not present in population databases (gnomAD no frequency). This variant has not been reported in the literature in individuals affected with CBL-related conditions. In summary, the available evidence is currently insufficient to determine the role of this variant in disease. Therefore, it has been classified as a Variant of Uncertain Significance.